The following is an entry in ClinVar:

ClinVar aggregate classification (germline): Uncertain significance (0 of 4 stars; one submission).

Conditions:
MC4R-related disorder. Also called: MC4R-related condition.

Allele frequency attached by ClinVar (database versions not stated): TOPMed 0.00002; gnomAD exomes 0.00003; gnomAD 0.00005; ExAC 0.00007.

Submission:

PreventionGenetics, part of Exact Sciences
Classification: Uncertain significance for MC4R-related condition. Last evaluated: 2024-07-22. Review status: no assertion criteria provided. Collection method: clinical testing. Allele origin: germline.
Comment: The MC4R c.619C>G variant is predicted to result in the amino acid substitution p.Leu207Val. This variant has been reported in two individuals with obesity as well as lean controls (Moore et al. 2014. PubMed ID: 24705671; Nordang et al. 2017. PubMed ID: 28377240). In one study, it was reported in an individual with obesity as well as two non-obese family members (Rouskas et al. 2012. PubMed ID: 22447289). In a functional study, the p.Leu207Val variant was reported to have no effect on the physiological function of the MC4R protein (Rouskas et al. 2012. PubMed ID: 22447289). This variant is reported in 0.020% of alleles in individuals of European (Finnish) descent in gnomAD. At this time, the clinical significance of this variant is uncertain due to the absence of conclusive functional and genetic evidence.

NM_005912.3(MC4R):c.619C>G (p.Leu207Val)

Gene: MC4R (melanocortin 4 receptor; minus strand). Cytogenetic location: 18q21.32.
Variant type: single nucleotide variant.
Coding change: c.619C>G on transcript NM_005912.3 (MANE Select); coding-DNA position 619, C replaced by G.
Protein change: p.Leu207Val; replaces leucine 207 with valine.
Molecular consequence: missense variant.
Genome position (GRCh38, 1-based): chr18:60,371,731, G>C on the plus strand (C>G on the coding strand, the complement: MC4R is on the minus strand). VCF-style: chr18-60371731-G-C. GRCh37 (hg19) VCF-style: chr18-58038964-G-C.
Other names: short protein forms L207V.
Identifiers: ClinVar variation 3034953 (VCV003034953.2), dbSNP rs202029579, ClinGen allele CA8980882.